The following is an entry in ClinVar:

ClinVar aggregate classification (germline): Pathogenic (1 of 4 stars; one submission).

Conditions:
Hypertrophic cardiomyopathy 26. Also called: Cardiomyopathy, familial hypertrophic, 26. Identifiers: Orphanet 75249, MedGen C4310749, MONDO:0014883, OMIM 617047.
Distal myopathy with posterior leg and anterior hand involvement. Also called: WILLIAMS DISTAL MYOPATHY. Identifiers: Orphanet 63273, MedGen C3279722, MONDO:0013550, OMIM 614065.
Myofibrillar myopathy 5. Also called: Filaminopathy (type); FILAMINOPATHY, AUTOSOMAL DOMINANT. Identifiers: Orphanet 171445, MedGen C1836050, MONDO:0012289, OMIM 609524.

Submission:

Labcorp Genetics (formerly Invitae), Labcorp
Classification: Pathogenic for Distal myopathy with posterior leg and anterior hand involvement; Myofibrillar myopathy 5; Hypertrophic cardiomyopathy 26. Last evaluated: 2025-01-21. Review status: criteria provided, single submitter. Criteria: Invitae Variant Classification Sherloc (09022015). Collection method: clinical testing. Allele origin: germline.
Comment: This sequence change creates a premature translational stop signal (p.Pro863Thrfs*16) in the FLNC gene. It is expected to result in an absent or disrupted protein product. Loss-of-function variants in FLNC are known to be pathogenic (PMID: 27908349). This variant is not present in population databases (gnomAD no frequency). This variant has not been reported in the literature in individuals affected with FLNC-related conditions. For these reasons, this variant has been classified as Pathogenic.

Literature cited by the submitters: PubMed 27908349.

NM_001458.5(FLNC):c.2585_2586dup (p.Pro863fs)

Gene: FLNC (filamin C; plus strand). Cytogenetic location: 7q32.1.
Variant type: Duplication.
Coding change: c.2585_2586dup on transcript NM_001458.5 (MANE Select); coding-DNA positions 2585 to 2586, 2 bases duplicated (AC; older notation c.2585_2586dupAC).
Protein change: p.Pro863fs; shifts the reading frame from proline 863.
Molecular consequence: frameshift variant.
Genome position (GRCh38, 1-based): chr7:128,843,263-128,843,264, AC duplicated. VCF-style (leftmost placement, unchanged base first): chr7-128843262-G-GAC. GRCh37 (hg19) VCF-style: chr7-128483316-G-GAC.
Other names: c.2585_2586dup, p.Pro863fs (NM_001127487.2); short protein forms P863fs.
Identifiers: ClinVar variation 3760362 (VCV003760362.2).
Genomic context (GRCh38, chr7:128,843,262, plus strand): 5'-CCCTGACTGAGCCTCCTCCACATCCAGGAGATCCCCGCCAGCCCCTTCCACATCAAGGTG[G>GAC]ACCCATCCCACGATGCCAGCAAAGTCAAGGCCGAGGGCCCTGGGCTGAATCGCACAGGTG-3'